The following is an entry in ClinVar:

ClinVar aggregate classification (germline): Uncertain significance (1 of 4 stars; one submission).

Conditions:
Dystonia, childhood-onset, with optic atrophy and basal ganglia abnormalities (DYTOABG). Also called: DYSTONIA 29, CHILDHOOD-ONSET; MECR-Related Neurologic Disorder. Identifiers: Orphanet 508093, MedGen C4310634, MONDO:0015003, OMIM 617282.

Submission:

Undiagnosed Diseases Network, NIH
Classification: Uncertain significance for Dystonia, childhood-onset, with optic atrophy and basal ganglia abnormalities. Last evaluated: 2018-01-16. Review status: criteria provided, single submitter. Criteria: ACMG Guidelines, 2015. Collection method: clinical testing. Allele origin: paternal. Inheritance: Autosomal recessive inheritance. Affected: yes. Observed: 2 variant alleles, 2 compound heterozygotes. Clinical features observed: Global developmental delay (HP:0001263), Gait ataxia (HP:0002066), Focal T2 hyperintense basal ganglia lesion (HP:0007183), Delayed gross motor development (HP:0002194), Cerebral palsy (HP:0100021). Study: Undiagnosed Diseases Network (NIH), UDN.
Comment: The c.830+2dupT variant disrupts the splice donor consensus and has previously been reported as disease causing [PMID 27817865]. The c.-39G>C variant lies in the 5

NC_000001.11:g.29230945C>G

Gene: MECR (mitochondrial trans-2-enoyl-CoA reductase; minus strand). Cytogenetic location: 1p35.3.
Variant type: single nucleotide variant.
Genome position: GRCh38 VCF-style: chr1-29230945-C-G. GRCh37 (hg19) VCF-style: chr1-29557457-C-G.
Identifiers: ClinVar variation 522856 (VCV000522856.6), dbSNP rs749435497, ClinGen allele CA658795424.